The following is an entry in ClinVar:

ClinVar aggregate classification (germline): Benign. Review status: criteria provided, multiple submitters, no conflicts (2 of 4 stars). 4 submissions from 4 submitters: Benign (4). Last evaluated 2024-11-26.

Allele frequency attached by ClinVar (database versions not stated): gnomAD exomes 0.08466; ExAC 0.14256; 1000 Genomes Project 30x 0.15740; gnomAD 0.17062.
gnomAD v4.1: 55,527 of 888,802 alleles (6.2%); highest among the groups gnomAD compares: Middle Eastern, 7.5%; 6,034 homozygotes.

Submissions (4):

Blueprint Genetics
Classification: Benign. Last evaluated: 2024-11-26. Review status: criteria provided, single submitter. Criteria: ACMG Guidelines, 2015. Collection method: clinical testing. Allele origin: germline.

GeneDx
Classification: Benign. Last evaluated: 2018-11-11. Review status: criteria provided, single submitter. Criteria: GeneDx Variant Classification Process June 2021. Collection method: clinical testing. Allele origin: germline. Affected: yes.

Laboratory for Molecular Medicine, Mass General Brigham Personalized Medicine
Classification: Benign. Last evaluated: 2016-03-29. Review status: criteria provided, single submitter. Criteria: LMM Criteria. Collection method: clinical testing. Allele origin: germline.
Comment: Variant identified in a genome or exome case(s) and assessed due to predicted null impact of the variant or pathogenic assertions in the literature or databases. Disclaimer: This variant has not undergone full assessment. The following are preliminary notes: Frequency

Breakthrough Genomics
Classification: Benign. Review status: criteria provided, single submitter. Criteria: ACMG Guidelines, 2015. Collection method: not provided. Allele origin: germline. Inheritance: Autosomal dominant inheritance. Affected: yes.

NM_014208.3(DSPP):c.3221A>G (p.Asp1074Gly)

Genes: DMP1-AS1 (DMP1 and DSPP antisense RNA 1; minus strand), DSPP (dentin sialophosphoprotein; plus strand). Cytogenetic location: 4q22.1.
Variant type: single nucleotide variant.
Coding change: c.3221A>G on transcript NM_014208.3 (MANE Select); coding-DNA position 3221, A replaced by G.
Protein change: p.Asp1074Gly; replaces aspartic acid 1074 with glycine.
Molecular consequence: missense variant.
Genome position (GRCh38, 1-based): chr4:87,615,883, A>G. VCF-style: chr4-87615883-A-G. GRCh37 (hg19) VCF-style: chr4-88537035-A-G.
Other names: short protein forms D1074G.
Identifiers: ClinVar variation 402805 (VCV000402805.8), dbSNP rs202210195, ClinGen allele CA3001470.